The following is an entry in ClinVar:

ClinVar aggregate classification (germline): Uncertain significance (1 of 4 stars; one submission).

Allele frequency attached by ClinVar (database versions not stated): gnomAD exomes below 0.00001; TOPMed 0.00004.

Submission:

CeGaT Center for Human Genetics Tuebingen
Classification: Uncertain significance. Last evaluated: 2023-08-01. Review status: criteria provided, single submitter. Criteria: CeGaT Center For Human Genetics Tuebingen Variant Classification Criteria Version 2. Collection method: clinical testing. Allele origin: germline. Affected: yes. Observed: 1 variant allele.
Comment: IQSEC2: PM2, PP2

NM_001111125.3(IQSEC2):c.3458G>A (p.Arg1153Gln)

Gene: IQSEC2 (IQ motif and Sec7 domain ArfGEF 2; minus strand). Cytogenetic location: Xp11.22.
Variant type: single nucleotide variant.
Coding change: c.3458G>A on transcript NM_001111125.3 (MANE Select); coding-DNA position 3458, G replaced by A.
Protein change: p.Arg1153Gln; replaces arginine 1153 with glutamine.
Molecular consequence: missense variant. On other transcripts: intron variant (2).
Genome position (GRCh38, 1-based): chrX:53,235,826, C>T on the plus strand (G>A on the coding strand, the complement: IQSEC2 is on the minus strand). VCF-style: chrX-53235826-C-T. GRCh37 (hg19) VCF-style: chrX-53265008-C-T.
Other names: c.3451+496G>A (NM_001410736.1); c.2836+496G>A (NM_015075.2); short protein forms R1153Q.
Identifiers: ClinVar variation 2660601 (VCV002660601.24), dbSNP rs1047111446, ClinGen allele CA329162367.